The following is an entry in ClinVar:

ClinVar aggregate classification (germline): Likely benign (0 of 4 stars; one submission).

Conditions:
COLEC11-related disorder. Also called: COLEC11-related condition.

Submission:

PreventionGenetics, part of Exact Sciences
Classification: Likely benign for COLEC11-related condition. Last evaluated: 2021-03-02. Review status: no assertion criteria provided. Collection method: clinical testing. Allele origin: germline.
Comment: This variant is classified as likely benign based on ACMG/AMP sequence variant interpretation guidelines (Richards et al. 2015 PMID: 25741868, with internal and published modifications).

NM_024027.5(COLEC11):c.130+1716T>C

Gene: COLEC11 (collectin subfamily member 11; plus strand). Cytogenetic location: 2p25.3.
Variant type: single nucleotide variant.
Coding change: c.130+1716T>C on transcript NM_024027.5 (MANE Select); 1716 bases into the intron after coding-DNA position 130, T replaced by C.
Molecular consequence: intron variant. On other transcripts: 5 prime UTR variant (4).
Genome position (GRCh38, 1-based): chr2:3,606,186, T>C. VCF-style: chr2-3606186-T-C. GRCh37 (hg19) VCF-style: chr2-3653776-T-C.
Other names: c.-6T>C (NM_001255986.1, NM_001255987.1, NM_001255988.1 and 1 more transcripts); c.42+1716T>C (NM_199235.3); c.130+1716T>C (NM_001255983.2, NM_001255982.2, NM_001255984.2); c.172+1716T>C (NM_001255985.1).
Identifiers: ClinVar variation 3030350 (VCV003030350.2), dbSNP rs2528258846, ClinGen allele CA2576666732.